The following is an entry in ClinVar:

ClinVar aggregate classification (germline): Uncertain significance (1 of 4 stars; one submission).

Conditions:
Epileptic encephalopathy. Identifiers: MedGen C0543888, HP:0200134.

gnomAD v4.1: 1 of 1,612,522 alleles (0.000062%); highest among the groups gnomAD compares: Non-Finnish European, 0.000085%; no homozygotes.

Submission:

Labcorp Genetics (formerly Invitae), Labcorp
Classification: Uncertain significance for Epileptic encephalopathy. Last evaluated: 2024-02-26. Review status: criteria provided, single submitter. Criteria: Invitae Variant Classification Sherloc (09022015). Collection method: clinical testing. Allele origin: germline.
Comment: This sequence change replaces aspartic acid, which is acidic and polar, with histidine, which is basic and polar, at codon 1165 of the FASN protein (p.Asp1165His). This variant is not present in population databases (gnomAD no frequency). This variant has not been reported in the literature in individuals affected with FASN-related conditions. ClinVar contains an entry for this variant (Variation ID: 942244). An algorithm developed to predict the effect of missense changes on protein structure and function (PolyPhen-2) suggests that this variant is likely to be tolerated. In summary, the available evidence is currently insufficient to determine the role of this variant in disease. Therefore, it has been classified as a Variant of Uncertain Significance.

NM_004104.5(FASN):c.3493G>C (p.Asp1165His)

Gene: FASN (fatty acid synthase; minus strand). Cytogenetic location: 17q25.3.
Variant type: single nucleotide variant.
Coding change: c.3493G>C on transcript NM_004104.5 (MANE Select); coding-DNA position 3493, G replaced by C.
Protein change: p.Asp1165His; replaces aspartic acid 1165 with histidine.
Molecular consequence: missense variant.
Genome position (GRCh38, 1-based): chr17:82,086,493, C>G on the plus strand (G>C on the coding strand, the complement: FASN is on the minus strand). VCF-style: chr17-82086493-C-G. GRCh37 (hg19) VCF-style: chr17-80044369-C-G.
Other names: short protein forms D1165H.
Identifiers: ClinVar variation 942244 (VCV000942244.9), dbSNP rs2034103688, ClinGen allele CA401552442.